The following is an entry in ClinVar:

NM_002519.3(NPAT):c.3482A>T (p.His1161Leu)

Gene: NPAT (nuclear protein, coactivator of histone transcription; minus strand). Cytogenetic location: 11q22.3.
Variant type: single nucleotide variant.
Coding change: c.3482A>T on transcript NM_002519.3 (MANE Select); coding-DNA position 3482, A replaced by T.
Protein change: p.His1161Leu; replaces histidine 1161 with leucine.
Molecular consequence: missense variant.
Genome position (GRCh38, 1-based): chr11:108,161,604, T>A on the plus strand (A>T on the coding strand, the complement: NPAT is on the minus strand). VCF-style: chr11-108161604-T-A. GRCh37 (hg19) VCF-style: chr11-108032331-T-A.
Other names: c.3503A>T, p.His1168Leu (NM_001321307.1); short protein forms H1168L, H1161L.
Identifiers: ClinVar variation 1731855 (VCV001731855.2), dbSNP rs377418446, ClinGen allele CA382510719.

ClinVar aggregate classification (germline): Uncertain significance (1 of 4 stars; one submission).

Submission:

Ambry Genetics
Classification: Uncertain significance. Last evaluated: 2021-11-11. Review status: criteria provided, single submitter. Criteria: Ambry Variant Classification Scheme 2023. Collection method: clinical testing. Allele origin: germline.
Comment: The p.H1161L variant (also known as c.3482A>T), located in coding exon 17 of the NPAT gene, results from an A to T substitution at nucleotide position 3482. The histidine at codon 1161 is replaced by leucine, an amino acid with similar properties. This amino acid position is conserved. In addition, this alteration is predicted to be tolerated by in silico analysis. Since supporting evidence is limited at this time, the clinical significance of this alteration remains unclear.